The following is an entry in ClinVar:

ClinVar aggregate classification (germline): Likely benign (0 of 4 stars; one submission).

Conditions:
HACL1-related disorder. Also called: HACL1-related condition.

Allele frequency attached by ClinVar (database versions not stated): gnomAD 0.00004; gnomAD exomes 0.00005; TOPMed 0.00006; ESP Exome Variant Server 0.00008; ExAC 0.00013.
gnomAD v4.1: 104 of 1,546,670 alleles (0.0067%); highest among the groups gnomAD compares: East Asian, 0.095%; no homozygotes.

Submission:

PreventionGenetics, part of Exact Sciences
Classification: Likely benign for HACL1-related condition. Last evaluated: 2019-04-25. Review status: no assertion criteria provided. Collection method: clinical testing. Allele origin: germline.
Comment: This variant is classified as likely benign based on ACMG/AMP sequence variant interpretation guidelines (Richards et al. 2015 PMID: 25741868, with internal and published modifications).

NM_012260.4(HACL1):c.382-6A>G

Gene: HACL1 (2-hydroxyacyl-CoA lyase 1; minus strand). Cytogenetic location: 3p25.1.
Variant type: single nucleotide variant.
Coding change: c.382-6A>G on transcript NM_012260.4 (MANE Select); 6 bases into the intron before coding-DNA position 382, A replaced by G.
Molecular consequence: intron variant.
Genome position (GRCh38, 1-based): chr3:15,586,608, T>C on the plus strand (A>G on the coding strand, the complement: HACL1 is on the minus strand). VCF-style: chr3-15586608-T-C. GRCh37 (hg19) VCF-style: chr3-15628115-T-C.
Other names: c.301-6A>G (NM_001284413.2); c.309-3619A>G (NM_001284416.2); c.382-1266A>G (NM_001284415.2).
Identifiers: ClinVar variation 3058276 (VCV003058276.2), dbSNP rs374867050, ClinGen allele CA2276921.
Genomic context (GRCh38, chr3:15,586,608, plus strand): 5'-CTTCTATGCTGCTTGGGCGGGCAGAGAACTTGGTATATAATCTACAAGCTTCAACCTACA[T>C]GGAAAATGAAAATCACTTAAAATTCAGCTCACAATCATGTTACTCTCCTGAAAGAAGACA-3'